The following is an entry in ClinVar:

ClinVar aggregate classification (germline): Uncertain significance (1 of 4 stars; one submission).

Conditions:
Meckel-Gruber syndrome. Also called: DYSENCEPHALIA SPLANCHNOCYSTICA; GRUBER SYNDROME; Dysencephalia splachnocystica. Identifiers: Orphanet 564, MedGen C0265215, MONDO:0018921.
Joubert syndrome. Also called: CEREBELLOPARENCHYMAL DISORDER IV; JOUBERT-BOLTSHAUSER SYNDROME; Familial aplasia of the vermis. Identifiers: Orphanet 475, MedGen C5979921, MONDO:0018772.

Submission:

Labcorp Genetics (formerly Invitae), Labcorp
Classification: Uncertain significance for Joubert syndrome; Meckel-Gruber syndrome. Last evaluated: 2022-12-02. Review status: criteria provided, single submitter. Criteria: Invitae Variant Classification Sherloc (09022015). Collection method: clinical testing. Allele origin: germline.
Comment: This variant has not been reported in the literature in individuals affected with TMEM67-related conditions. This variant is not present in population databases (gnomAD no frequency). This sequence change replaces leucine, which is neutral and non-polar, with arginine, which is basic and polar, at codon 779 of the TMEM67 protein (p.Leu779Arg). ClinVar contains an entry for this variant (Variation ID: 1496371). In summary, the available evidence is currently insufficient to determine the role of this variant in disease. Therefore, it has been classified as a Variant of Uncertain Significance. Algorithms developed to predict the effect of sequence changes on RNA splicing suggest that this variant may create or strengthen a splice site. Advanced modeling of protein sequence and biophysical properties (such as structural, functional, and spatial information, amino acid conservation, physicochemical variation, residue mobility, and thermodynamic stability) performed at Invitae indicates that this missense variant is expected to disrupt TMEM67 protein function.

NM_153704.6(TMEM67):c.2336T>G (p.Leu779Arg)

Gene: TMEM67 (transmembrane protein 67; plus strand). Cytogenetic location: 8q22.1.
Variant type: single nucleotide variant.
Coding change: c.2336T>G on transcript NM_153704.6 (MANE Select); coding-DNA position 2336, T replaced by G.
Protein change: p.Leu779Arg; replaces leucine 779 with arginine.
Molecular consequence: missense variant. On other transcripts: non-coding transcript variant (1).
Genome position (GRCh38, 1-based): chr8:93,804,775, T>G. VCF-style: chr8-93804775-T-G. GRCh37 (hg19) VCF-style: chr8-94817003-T-G.
Other names: c.2093T>G, p.Leu698Arg (NM_001142301.1); short protein forms L698R, L779R.
Identifiers: ClinVar variation 1496371 (VCV001496371.8), dbSNP rs2130763583, ClinGen allele CA371697939.